The following is an entry in ClinVar:

NM_001110556.2(FLNA):c.2672A>T (p.Lys891Met)

Gene: FLNA (filamin A; minus strand). Cytogenetic location: Xq28.
Variant type: single nucleotide variant.
Coding change: c.2672A>T on transcript NM_001110556.2 (MANE Select); coding-DNA position 2672, A replaced by T.
Protein change: p.Lys891Met; replaces lysine 891 with methionine.
Molecular consequence: missense variant.
Genome position (GRCh38, 1-based): chrX:154,362,133, T>A on the plus strand (A>T on the coding strand, the complement: FLNA is on the minus strand). VCF-style: chrX-154362133-T-A. GRCh37 (hg19) VCF-style: chrX-153590501-T-A.
Other names: c.2672A>T, p.Lys891Met (NM_001456.4); short protein forms K891M.
Identifiers: ClinVar variation 1520181 (VCV001520181.8), dbSNP rs2148114112, ClinGen allele CA415233171.

ClinVar aggregate classification (germline): Uncertain significance (1 of 4 stars; one submission).

Conditions:
Heterotopia, periventricular, X-linked dominant (PVNH1). Also called: PERIVENTRICULAR NODULAR HETEROTOPIA 1; X-linked periventricular heterotopia; PERIVENTRICULAR NODULAR HETEROTOPIA 4; HETEROTOPIA, PERIVENTRICULAR, 1. Identifiers: Orphanet 2149, Orphanet 82004, MedGen C1848213, MONDO:0010233, OMIM 300049.
Melnick-Needles syndrome (MNS). Also called: Melnick-Needles Syndrome (FLNA-MNS); MELNICK-NEEDLES OSTEODYSPLASTY; OSTEODYSPLASTY OF MELNICK AND NEEDLES. Identifiers: Orphanet 2484, MedGen C0025237, MONDO:0010650, OMIM 309350.
Frontometaphyseal dysplasia (FMD1). Identifiers: Orphanet 1826, MedGen C0265293, MONDO:0015942.
Oto-palato-digital syndrome, type II (OPD2). Also called: Otopalatodigital Syndrome Type 2 (FLNA-OPD2); FACIOPALATOOSSEOUS SYNDROME; OPD II SYNDROME; Otopalatodigital Syndrome, Type II. Identifiers: Orphanet 669, Orphanet 90652, MedGen C1844696, MONDO:0010571, OMIM 304120.

gnomAD v4.1: 3 of 1,211,647 alleles (0.00025%); highest among the groups gnomAD compares: Non-Finnish European, 0.00034%; no homozygotes.

Submission:

Labcorp Genetics (formerly Invitae), Labcorp
Classification: Uncertain significance for Oto-palato-digital syndrome, type II; Heterotopia, periventricular, X-linked dominant; Frontometaphyseal dysplasia; Melnick-Needles syndrome. Last evaluated: 2025-08-24. Review status: criteria provided, single submitter. Criteria: Invitae Variant Classification Sherloc (09022015). Collection method: clinical testing. Allele origin: germline.
Comment: This sequence change replaces lysine, which is basic and polar, with methionine, which is neutral and non-polar, at codon 891 of the FLNA protein (p.Lys891Met). This variant is not present in population databases (gnomAD no frequency). This variant has not been reported in the literature in individuals affected with FLNA-related conditions. ClinVar contains an entry for this variant (Variation ID: 1520181). Invitae Evidence Modeling of protein sequence and biophysical properties (such as structural, functional, and spatial information, amino acid conservation, physicochemical variation, residue mobility, and thermodynamic stability) indicates that this missense variant is not expected to disrupt FLNA protein function with a negative predictive value of 95%. In summary, the available evidence is currently insufficient to determine the role of this variant in disease. Therefore, it has been classified as a Variant of Uncertain Significance.